The following is an entry in ClinVar:

NM_001451.3(FOXF1):c.191C>T (p.Ser64Leu)

Gene: FOXF1 (forkhead box F1; plus strand). Cytogenetic location: 16q24.1.
Variant type: single nucleotide variant.
Coding change: c.191C>T on transcript NM_001451.3 (MANE Select); coding-DNA position 191, C replaced by T.
Protein change: p.Ser64Leu; replaces serine 64 with leucine.
Molecular consequence: missense variant.
Genome position (GRCh38, 1-based): chr16:86,510,760, C>T. VCF-style: chr16-86510760-C-T. GRCh37 (hg19) VCF-style: chr16-86544366-C-T.
Other names: short protein forms S64L.
Identifiers: ClinVar variation 1708273 (VCV001708273.1), dbSNP rs1597291235, ClinGen allele CA397005445.
Genomic context (GRCh38, chr16:86,510,760, plus strand): 5'-GGCGCCCGGAGAAGCCGCCCTATTCCTACATCGCGCTCATCGTCATGGCCATCCAGAGTT[C>T]ACCCACCAAGCGCCTGACGCTGAGCGAGATCTACCAGTTCCTGCAGAGCCGCTTCCCCTT-3'
Protein context (NP_001442.2, residues 54-74): IALIVMAIQS[Ser64Leu]PTKRLTLSEI

ClinVar aggregate classification (germline): Likely pathogenic (1 of 4 stars; one submission).

Submission:

Centre of Medical Genetics, University Hospital Muenster
Classification: Likely pathogenic. Last evaluated: 2021-01-25. Review status: criteria provided, single submitter. Criteria: ACMG Guidelines, 2015. Collection method: clinical testing. Allele origin: de novo. Affected: yes. Observed: 1 variant allele, 1 heterozygote.
Comment: ACMG categories: PS2,PM1,PM2,PP3